The following is an entry in ClinVar:

NM_017654.4(SAMD9):c.73A>T (p.Ser25Cys)

Gene: SAMD9 (sterile alpha motif domain containing 9; minus strand). Cytogenetic location: 7q21.2.
Variant type: single nucleotide variant.
Coding change: c.73A>T on transcript NM_017654.4 (MANE Select); coding-DNA position 73, A replaced by T.
Protein change: p.Ser25Cys; replaces serine 25 with cysteine.
Molecular consequence: missense variant.
Genome position (GRCh38, 1-based): chr7:93,106,025, T>A on the plus strand (A>T on the coding strand, the complement: SAMD9 is on the minus strand). VCF-style: chr7-93106025-T-A. GRCh37 (hg19) VCF-style: chr7-92735338-T-A.
Other names: c.73A>T, p.Ser25Cys (NM_001193307.2); short protein forms S25C.
Identifiers: ClinVar variation 4843128 (VCV004843128.1).

ClinVar aggregate classification (germline): Uncertain significance (1 of 4 stars; one submission).

Conditions:
Inborn genetic diseases. Identifiers: MedGen C0950123, MeSH D030342.

Submission:

Ambry Genetics
Classification: Uncertain significance for Inborn genetic diseases. Last evaluated: 2026-01-03. Review status: criteria provided, single submitter. Criteria: Ambry Variant Classification Scheme 2023. Collection method: clinical testing. Allele origin: germline.
Comment: The p.S25C variant (also known as c.73A>T), located in coding exon 1 of the SAMD9 gene, results from an A to T substitution at nucleotide position 73. The serine at codon 25 is replaced by cysteine, an amino acid with dissimilar properties. This amino acid position is conserved. In addition, this alteration is predicted to be tolerated by in silico analysis. Based on the available evidence, the clinical significance of this variant remains unclear.